The following is an entry in ClinVar:

NM_005629.4(SLC6A8):c.1877G>A (p.Ser626Asn)

Gene: SLC6A8 (solute carrier family 6 member 8; plus strand). Cytogenetic location: Xq28.
Variant type: single nucleotide variant.
Coding change: c.1877G>A on transcript NM_005629.4 (MANE Select); coding-DNA position 1877, G replaced by A.
Protein change: p.Ser626Asn; replaces serine 626 with asparagine.
Molecular consequence: missense variant.
Genome position (GRCh38, 1-based): chrX:153,695,183, G>A. VCF-style: chrX-153695183-G-A. GRCh37 (hg19) VCF-style: chrX-152960638-G-A.
Other names: p.Ser626Asn; c.1847G>A, p.Ser616Asn (NM_001142805.2); c.1532G>A, p.Ser511Asn (NM_001142806.1); short protein forms S511N, S616N, S626N.
Identifiers: ClinVar variation 3380756 (VCV003380756.1).
Genomic context (GRCh38, chrX:153,695,183, plus strand): 5'-ACCGAGCTCAGGACGCAGATGTCAGGGGCCTGACCACCCTGACCCCAGTGTCCGAGAGCA[G>A]CAAGGTCGTCGTGGTGGAGAGTGTCATGTGACAACTCAGCTCACATCACCAGCTCACCTC-3'
Protein context (NP_005620.1, residues 616-635): LTTLTPVSES[Ser626Asn]KVVVVESVM

ClinVar aggregate classification (germline): Uncertain significance (1 of 4 stars; one submission).

Submission:

Mayo Clinic Laboratories, Mayo Clinic
Classification: Uncertain significance. Last evaluated: 2023-09-22. Review status: criteria provided, single submitter. Criteria: ACMG Guidelines, 2015. Collection method: clinical testing. Allele origin: germline. Observed: 1 variant allele.
Comment: BP4, PM2_moderate